The following is an entry in ClinVar:

NM_001384474.1(LOXHD1):c.730G>T (p.Gly244Trp)

Gene: LOXHD1 (lipoxygenase homology PLAT domains 1; minus strand). Cytogenetic location: 18q21.1.
Variant type: single nucleotide variant.
Coding change: c.730G>T on transcript NM_001384474.1 (MANE Select); coding-DNA position 730, G replaced by T.
Protein change: p.Gly244Trp; replaces glycine 244 with tryptophan.
Molecular consequence: missense variant.
Genome position (GRCh38, 1-based): chr18:46,610,805, C>A on the plus strand (G>T on the coding strand, the complement: LOXHD1 is on the minus strand). VCF-style: chr18-46610805-C-A. GRCh37 (hg19) VCF-style: chr18-44190768-C-A.
Other names: c.730G>T (NM_144612.6); c.730G>T, p.Gly244Trp (NM_144612.7); short protein forms G244W.
Identifiers: ClinVar variation 3706308 (VCV003706308.3).

ClinVar aggregate classification (germline): Uncertain significance. Review status: criteria provided, multiple submitters, no conflicts (2 of 4 stars). 2 submissions from 2 submitters: Uncertain significance (2). Last evaluated 2025-08-01.

Conditions:
Inborn genetic diseases. Identifiers: MedGen C0950123, MeSH D030342.

gnomAD v4.1: 6 of 1,551,630 alleles (0.00039%); highest among the groups gnomAD compares: South Asian, 0.0071%; no homozygotes.

Submissions (2):

Ambry Genetics
Classification: Uncertain significance for Inborn genetic diseases. Last evaluated: 2025-08-01. Review status: criteria provided, single submitter. Criteria: Ambry Variant Classification Scheme 2023. Collection method: clinical testing. Allele origin: germline.

Labcorp Genetics (formerly Invitae), Labcorp
Classification: Uncertain significance. Last evaluated: 2024-04-03. Review status: criteria provided, single submitter. Criteria: Invitae Variant Classification Sherloc (09022015). Collection method: clinical testing. Allele origin: germline.
Comment: This sequence change replaces glycine, which is neutral and non-polar, with tryptophan, which is neutral and slightly polar, at codon 244 of the LOXHD1 protein (p.Gly244Trp). The frequency data for this variant in the population databases is considered unreliable, as metrics indicate poor data quality at this position in the gnomAD database. This variant has not been reported in the literature in individuals affected with LOXHD1-related conditions. An algorithm developed to predict the effect of missense changes on protein structure and function (PolyPhen-2) suggests that this variant is likely to be disruptive. In summary, the available evidence is currently insufficient to determine the role of this variant in disease. Therefore, it has been classified as a Variant of Uncertain Significance.